The following is an entry in ClinVar:

ClinVar aggregate classification (germline): Uncertain significance (1 of 4 stars; one submission).

Conditions:
Dilated Cardiomyopathy, Dominant.
Distal myopathy with posterior leg and anterior hand involvement. Also called: WILLIAMS DISTAL MYOPATHY. Identifiers: Orphanet 63273, MedGen C3279722, MONDO:0013550, OMIM 614065.
Myofibrillar myopathy 5. Also called: Filaminopathy (type); FILAMINOPATHY, AUTOSOMAL DOMINANT. Identifiers: Orphanet 171445, MedGen C1836050, MONDO:0012289, OMIM 609524.
Hypertrophic cardiomyopathy 26. Also called: Cardiomyopathy, familial hypertrophic, 26. Identifiers: Orphanet 75249, MedGen C4310749, MONDO:0014883, OMIM 617047.

Submissions (2):

Labcorp Genetics (formerly Invitae), Labcorp
Classification: Uncertain significance for Distal myopathy with posterior leg and anterior hand involvement; Myofibrillar myopathy 5; Hypertrophic cardiomyopathy 26. Last evaluated: 2021-09-01. Review status: criteria provided, single submitter. Criteria: Invitae Variant Classification Sherloc (09022015). Collection method: clinical testing. Allele origin: germline.
Comment: This sequence change falls in intron 46 of the FLNC gene. It does not directly change the encoded amino acid sequence of the FLNC protein. It affects a nucleotide within the consensus splice site of the intron. This variant is not present in population databases (ExAC no frequency). This variant has not been reported in the literature in individuals affected with FLNC-related conditions. ClinVar contains an entry for this variant (Variation ID: 539486). Variants that disrupt the consensus splice site are a relatively common cause of aberrant splicing (PMID: 17576681, 9536098). Algorithms developed to predict the effect of sequence changes on RNA splicing suggest that this variant is not likely to affect RNA splicing. In summary, the available evidence is currently insufficient to determine the role of this variant in disease. Therefore, it has been classified as a Variant of Uncertain Significance.

Dr. Peter K. Rogan Lab, Western University
No classification provided (evidence only). Condition: Sarcoma. Review status: no classification provided. Collection method: in vitro. Allele origin: not applicable. Functional consequence: retained intron. Not counted in ClinVar's aggregate classification.

Literature cited by the submitters: PubMed 17576681 (cited by Labcorp Genetics (formerly Invitae), Labcorp); PubMed 9536098 (cited by Labcorp Genetics (formerly Invitae), Labcorp).

NM_001458.5(FLNC):c.7781-3C>T

Genes: FLNC-AS1 (FLNC antisense RNA 1; minus strand), FLNC (filamin C; plus strand). Cytogenetic location: 7q32.1.
Variant type: single nucleotide variant.
Coding change: c.7781-3C>T on transcript NM_001458.5 (MANE Select); 3 bases into the intron before coding-DNA position 7781, C replaced by T.
Molecular consequence: intron variant.
Genome position (GRCh38, 1-based): chr7:128,858,005, C>T. VCF-style: chr7-128858005-C-T. GRCh37 (hg19) VCF-style: chr7-128498059-C-T.
Other names: c.7682-3C>T (NM_001127487.2).
Identifiers: ClinVar variation 539486 (VCV000539486.7), dbSNP rs1444704657, ClinGen allele CA578151160.